The following is an entry in ClinVar:

ClinVar aggregate classification (germline): Uncertain significance (1 of 4 stars; one submission).

Conditions:
Combined immunodeficiency due to CTPS1 deficiency. Also called: Severe combined immunodeficiency due to CTPS1 deficiency; Immunodeficiency 24. Identifiers: Orphanet 420573, MedGen C4014617, MONDO:0014391, OMIM 615897.

gnomAD v4.1: 1 of 1,614,208 alleles (0.000062%); highest among the groups gnomAD compares: Non-Finnish European, 0.000085%; no homozygotes.

Submission:

Labcorp Genetics (formerly Invitae), Labcorp
Classification: Uncertain significance for Combined immunodeficiency due to CTPS1 deficiency. Last evaluated: 2022-09-16. Review status: criteria provided, single submitter. Criteria: Invitae Variant Classification Sherloc (09022015). Collection method: clinical testing. Allele origin: germline.
Comment: In summary, the available evidence is currently insufficient to determine the role of this variant in disease. Therefore, it has been classified as a Variant of Uncertain Significance. Algorithms developed to predict the effect of missense changes on protein structure and function (SIFT, PolyPhen-2, Align-GVGD) all suggest that this variant is likely to be tolerated. This sequence change replaces lysine, which is basic and polar, with threonine, which is neutral and polar, at codon 490 of the CTPS1 protein (p.Lys490Thr). This variant is not present in population databases (gnomAD no frequency). This variant has not been reported in the literature in individuals affected with CTPS1-related conditions.

NM_001905.4(CTPS1):c.1469A>C (p.Lys490Thr)

Gene: CTPS1 (CTP synthase 1; plus strand). Cytogenetic location: 1p34.2.
Variant type: single nucleotide variant.
Coding change: c.1469A>C on transcript NM_001905.4 (MANE Select); coding-DNA position 1469, A replaced by C.
Protein change: p.Lys490Thr; replaces lysine 490 with threonine.
Molecular consequence: missense variant. On other transcripts: non-coding transcript variant (1).
Genome position (GRCh38, 1-based): chr1:41,008,813, A>C. VCF-style: chr1-41008813-A-C. GRCh37 (hg19) VCF-style: chr1-41474485-A-C.
Other names: c.1001A>C, p.Lys334Thr (NM_001301237.2); short protein forms K334T, K490T.
Identifiers: ClinVar variation 1719603 (VCV001719603.5), dbSNP rs2524359378, ClinGen allele CA339906263.